The following is an entry in ClinVar:

ClinVar aggregate classification (germline): Benign. Review status: criteria provided, single submitter (1 of 4 stars). 2 submissions from 1 submitter: Benign (2). Last evaluated 2017-04-27.

Conditions:
Thrombophilia due to thrombin defect (THPH1). Also called: Thrombosis susceptibility; THROMBOPHILIA DUE TO FACTOR 2 DEFECT; Prothrombin-Related Thrombophilia (Factor II); Prothrombin Thrombophilia. Identifiers: MedGen C3160733, MONDO:0008559, OMIM 188050. Disease mechanism: gain of function, loss of function.
Thrombophilia due to activated protein C resistance (THPH2). Also called: Hereditary Resistance to Activated Protein C; APC resistance; PCCF DEFICIENCY; PROC COFACTOR DEFICIENCY; THROMBOPHILIA DUE TO DEFICIENCY OF ACTIVATED PROTEIN C COFACTOR; THROMBOPHILIA V. Identifiers: MedGen C1861171, MONDO:0008560, OMIM 188055. Disease mechanism: loss of function, gain of function.

Allele frequency attached by ClinVar (database versions not stated): gnomAD exomes below 0.00001.
gnomAD v4.1: 1 of 1,613,280 alleles (0.000062%); highest among the groups gnomAD compares: South Asian, 0.0011%; no homozygotes.

Submissions (2):

Illumina Laboratory Services, Illumina
Classification: Benign for Thrombophilia due to activated protein C resistance. Last evaluated: 2017-04-27. Review status: criteria provided, single submitter. Criteria: ICSL Variant Classification Criteria 13 December 2019. Collection method: clinical testing. Allele origin: germline.
Comment: This variant was observed as part of a predisposition screen in an ostensibly healthy population. A literature search was performed for the gene, cDNA change, and amino acid change (where applicable). Publications were found based on this search. The evidence from the literature, in combination with allele frequency data from public databases where available, was sufficient to rule this variant out of causing disease. Therefore, this variant is classified as benign.

Illumina Laboratory Services, Illumina
Classification: Benign for Venous thrombosis. Last evaluated: 2017-04-27. Review status: criteria provided, single submitter. Criteria: ICSL Variant Classification Criteria 13 December 2019. Collection method: clinical testing. Allele origin: germline.
Comment: the same text as in the submission from Illumina Laboratory Services, Illumina above.

Literature cited by the submitters: PubMed 12816860.

NM_000130.5(F5):c.5646G>A (p.Trp1882Ter)

Gene: F5 (coagulation factor V; minus strand). Cytogenetic location: 1q24.2.
Variant type: single nucleotide variant.
Coding change: c.5646G>A on transcript NM_000130.5 (MANE Select); coding-DNA position 5646, G replaced by A.
Protein change: p.Trp1882Ter; replaces tryptophan 1882 with a stop codon.
Molecular consequence: nonsense.
Genome position (GRCh38, 1-based): chr1:169,525,971, C>T on the plus strand (G>A on the coding strand, the complement: F5 is on the minus strand). VCF-style: chr1-169525971-C-T. GRCh37 (hg19) VCF-style: chr1-169495209-C-T.
Other names: short protein forms W1882*.
Identifiers: ClinVar variation 632086 (VCV000632086.5), dbSNP rs1557908012, ClinGen allele CA343125033.
Genomic context (GRCh38, chr1:169,525,971, plus strand): 5'-GATAAGAAATGGCGTTTGCATCCCTGCTCTCTGGTTTTCTCCAACCTCTGTGTTTAGGAG[C>T]CACCAGCCAGGTTTTGATGCCTTCATTTCAAGAGTTTTAAATGAACCTAAAATAAAAAGA-3'